The following is an entry in ClinVar:

NM_001478.5(B4GALNT1):c.1435G>A (p.Val479Ile)

Gene: B4GALNT1 (beta-1,4-N-acetyl-galactosaminyltransferase 1; minus strand). Cytogenetic location: 12q13.3.
Variant type: single nucleotide variant.
Coding change: c.1435G>A on transcript NM_001478.5 (MANE Select); coding-DNA position 1435, G replaced by A.
Protein change: p.Val479Ile; replaces valine 479 with isoleucine.
Molecular consequence: missense variant.
Genome position (GRCh38, 1-based): chr12:57,626,911, C>T on the plus strand (G>A on the coding strand, the complement: B4GALNT1 is on the minus strand). VCF-style: chr12-57626911-C-T. GRCh37 (hg19) VCF-style: chr12-58020694-C-T.
Other names: c.1270G>A, p.Val424Ile (NM_001276468.2); short protein forms V479I, V424I.
Identifiers: ClinVar variation 1463887 (VCV001463887.8), dbSNP rs995397312, ClinGen allele CA237789730.

ClinVar aggregate classification (germline): Uncertain significance (1 of 4 stars; one submission).

Conditions:
Spastic paraplegia. Identifiers: MedGen C0037772, HP:0001258.

Allele frequency attached by ClinVar (database versions not stated): gnomAD exomes below 0.00001; gnomAD 0.00001; TOPMed 0.00002.

Submission:

Labcorp Genetics (formerly Invitae), Labcorp
Classification: Uncertain significance for Spastic paraplegia. Last evaluated: 2024-01-17. Review status: criteria provided, single submitter. Criteria: Invitae Variant Classification Sherloc (09022015). Collection method: clinical testing. Allele origin: germline.
Comment: This sequence change replaces valine, which is neutral and non-polar, with isoleucine, which is neutral and non-polar, at codon 479 of the B4GALNT1 protein (p.Val479Ile). This variant is not present in population databases (gnomAD no frequency). This variant has not been reported in the literature in individuals affected with B4GALNT1-related conditions. ClinVar contains an entry for this variant (Variation ID: 1463887). Advanced modeling of protein sequence and biophysical properties (such as structural, functional, and spatial information, amino acid conservation, physicochemical variation, residue mobility, and thermodynamic stability) performed at Invitae indicates that this missense variant is not expected to disrupt B4GALNT1 protein function with a negative predictive value of 80%. In summary, the available evidence is currently insufficient to determine the role of this variant in disease. Therefore, it has been classified as a Variant of Uncertain Significance.